The following is an entry in ClinVar:

NM_015103.3(PLXND1):c.1591G>A (p.Gly531Ser)

Gene: PLXND1 (plexin D1; minus strand). Cytogenetic location: 3q22.1.
Variant type: single nucleotide variant.
Coding change: c.1591G>A on transcript NM_015103.3 (MANE Select); coding-DNA position 1591, G replaced by A.
Protein change: p.Gly531Ser; replaces glycine 531 with serine.
Molecular consequence: missense variant.
Genome position (GRCh38, 1-based): chr3:129,586,617, C>T on the plus strand (G>A on the coding strand, the complement: PLXND1 is on the minus strand). VCF-style: chr3-129586617-C-T. GRCh37 (hg19) VCF-style: chr3-129305460-C-T.
Other names: short protein forms G531S.
Identifiers: ClinVar variation 3055714 (VCV003055714.2), dbSNP rs2301572, ClinGen allele CA2609333.
Genomic context (GRCh38, chr3:129,586,617, plus strand): 5'-GGATGGCGTTGGGCTGGGGCTCTGGCCTCACCTGGTGGGACGTCATCAGGTAAAGGTAAC[C>T]GGAGTCTGCTGGGTCAAACTGCATGACATGGTGCACGGGCTCCCCATAGGCCACAGTCAC-3'
Protein context (NP_055918.3, residues 521-541): HVMQFDPADS[Gly531Ser]YLYLMTSHQM

ClinVar aggregate classification (germline): Benign (0 of 4 stars; one submission).

Conditions:
PLXND1-related disorder. Also called: PLXND1-related condition.

Allele frequency attached by ClinVar (database versions not stated): gnomAD exomes 0.03858; ESP Exome Variant Server 0.05734; gnomAD 0.06238; TOPMed 0.06486; 1000 Genomes Project 30x 0.08635; 1000 Genomes Project 0.08726; ExAC 0.10098.
gnomAD v4.1: 65,334 of 1,573,692 alleles (4.2%); highest among the groups gnomAD compares: East Asian, 12%; 2,174 homozygotes.

Submission:

PreventionGenetics, part of Exact Sciences
Classification: Benign for PLXND1-related condition. Last evaluated: 2019-09-24. Review status: no assertion criteria provided. Collection method: clinical testing. Allele origin: germline.
Comment: This variant is classified as benign based on ACMG/AMP sequence variant interpretation guidelines (Richards et al. 2015 PMID: 25741868, with internal and published modifications).